The following is an entry in ClinVar:

NM_182961.4(SYNE1):c.15372G>C (p.Leu5124Phe)

Gene: SYNE1 (spectrin repeat containing nuclear envelope protein 1; minus strand). Cytogenetic location: 6q25.2.
Variant type: single nucleotide variant.
Coding change: c.15372G>C on transcript NM_182961.4 (MANE Select); coding-DNA position 15372, G replaced by C.
Protein change: p.Leu5124Phe; replaces leucine 5124 with phenylalanine.
Molecular consequence: missense variant.
Genome position (GRCh38, 1-based): chr6:152,326,024, C>G on the plus strand (G>C on the coding strand, the complement: SYNE1 is on the minus strand). VCF-style: chr6-152326024-C-G. GRCh37 (hg19) VCF-style: chr6-152647159-C-G.
Other names: c.15159G>C, p.Leu5053Phe (NM_033071.5); short protein forms L5053F, L5124F.
Identifiers: ClinVar variation 1311735 (VCV001311735.2), dbSNP rs752634980, ClinGen allele CA366092718.

ClinVar aggregate classification (germline): Uncertain significance (1 of 4 stars; one submission).

Submission:

GeneDx
Classification: Uncertain significance. Last evaluated: 2020-01-13. Review status: criteria provided, single submitter. Criteria: GeneDx Variant Classification Process June 2021. Collection method: clinical testing. Allele origin: germline. Affected: yes.
Comment: Not observed in large population cohorts (Lek et al., 2016); In silico analysis, which includes protein predictors and evolutionary conservation, supports a deleterious effect; Has not been previously published as pathogenic or benign to our knowledge